The following is an entry in ClinVar:

NM_000181.4(GUSB):c.169C>G (p.Arg57Gly)

Gene: GUSB (glucuronidase beta; minus strand). Cytogenetic location: 7q11.21.
Variant type: single nucleotide variant.
Coding change: c.169C>G on transcript NM_000181.4 (MANE Select); coding-DNA position 169, C replaced by G.
Protein change: p.Arg57Gly; replaces arginine 57 with glycine.
Molecular consequence: missense variant. On other transcripts: 5 prime UTR variant (2), non-coding transcript variant (1).
Genome position (GRCh38, 1-based): chr7:65,982,015, G>C on the plus strand (C>G on the coding strand, the complement: GUSB is on the minus strand). VCF-style: chr7-65982015-G-C. GRCh37 (hg19) VCF-style: chr7-65447002-G-C.
Other names: c.169C>G, p.Arg57Gly (NM_001284290.2); c.-217C>G (NM_001293104.2); c.-161C>G (NM_001293105.2); c.169C>G (NM_000181.3); short protein forms R57G.
Identifiers: ClinVar variation 1038304 (VCV001038304.5), dbSNP rs772676579, ClinGen allele CA4276736.

ClinVar aggregate classification (germline): Uncertain significance. Review status: criteria provided, multiple submitters, no conflicts (2 of 4 stars). 2 submissions from 2 submitters: Uncertain significance (2). Last evaluated 2024-07-14.

Conditions:
Inborn genetic diseases. Identifiers: MedGen C0950123, MeSH D030342.
Mucopolysaccharidosis type 7 (MPS7). Also called: GUSB DEFICIENCY; SLY SYNDROME; MPS VII; BETA-GLUCURONIDASE DEFICIENCY. Identifiers: Orphanet 584, MedGen C0085132, MONDO:0009662, OMIM 253220.

Allele frequency attached by ClinVar (database versions not stated): TOPMed 0.00033.
gnomAD v4.1: 107 of 1,609,872 alleles (0.0066%); highest among the groups gnomAD compares: African/African-American, 0.082%; no homozygotes.

Submissions (2):

Ambry Genetics
Classification: Uncertain significance for Inborn genetic diseases. Last evaluated: 2024-07-14. Review status: criteria provided, single submitter. Criteria: Ambry Variant Classification Scheme 2023. Collection method: clinical testing. Allele origin: germline.

Labcorp Genetics (formerly Invitae), Labcorp
Classification: Uncertain significance for Mucopolysaccharidosis type 7. Last evaluated: 2022-09-13. Review status: criteria provided, single submitter. Criteria: Invitae Variant Classification Sherloc (09022015). Collection method: clinical testing. Allele origin: germline.
Comment: This sequence change replaces arginine, which is basic and polar, with glycine, which is neutral and non-polar, at codon 57 of the GUSB protein (p.Arg57Gly). This variant is present in population databases (rs772676579, gnomAD 0.06%). This variant has not been reported in the literature in individuals affected with GUSB-related conditions. ClinVar contains an entry for this variant (Variation ID: 1038304). Advanced modeling of protein sequence and biophysical properties (such as structural, functional, and spatial information, amino acid conservation, physicochemical variation, residue mobility, and thermodynamic stability) performed at Invitae indicates that this missense variant is not expected to disrupt GUSB protein function. In summary, the available evidence is currently insufficient to determine the role of this variant in disease. Therefore, it has been classified as a Variant of Uncertain Significance.